The following is an entry in ClinVar:

NM_000170.3(GLDC):c.605C>G (p.Ala202Gly)

Gene: GLDC (glycine decarboxylase; minus strand). Cytogenetic location: 9p24.1.
Variant type: single nucleotide variant.
Coding change: c.605C>G on transcript NM_000170.3 (MANE Select); coding-DNA position 605, C replaced by G.
Protein change: p.Ala202Gly; replaces alanine 202 with glycine.
Molecular consequence: missense variant.
Genome position (GRCh38, 1-based): chr9:6,610,222, G>C on the plus strand (C>G on the coding strand, the complement: GLDC is on the minus strand). VCF-style: chr9-6610222-G-C. GRCh37 (hg19) VCF-style: chr9-6610222-G-C.
Other names: short protein forms A202G.
Identifiers: ClinVar variation 1522120 (VCV001522120.8), dbSNP rs386833583, ClinGen allele CA372898207.

ClinVar aggregate classification (germline): Likely pathogenic (1 of 4 stars; one submission).

Conditions:
Glycine encephalopathy. Also called: Nonketotic hyperglycinemia; Non-ketotic hyperglycinemia. Identifiers: Orphanet 407, MedGen C0751748, MONDO:0011612, HP:0008288.

Submission:

Labcorp Genetics (formerly Invitae), Labcorp
Classification: Likely pathogenic for Glycine encephalopathy. Last evaluated: 2022-04-11. Review status: criteria provided, single submitter. Criteria: Invitae Variant Classification Sherloc (09022015). Collection method: clinical testing. Allele origin: germline.
Comment: This variant disrupts the p.Ala202 amino acid residue in GLDC. Other variant(s) that disrupt this residue have been determined to be pathogenic (PMID: 21411353, 25231368). This suggests that this residue is clinically significant, and that variants that disrupt this residue are likely to be disease-causing. In summary, the currently available evidence indicates that the variant is pathogenic, but additional data are needed to prove that conclusively. Therefore, this variant has been classified as Likely Pathogenic. Advanced modeling of protein sequence and biophysical properties (such as structural, functional, and spatial information, amino acid conservation, physicochemical variation, residue mobility, and thermodynamic stability) performed at Invitae indicates that this missense variant is expected to disrupt GLDC protein function. This variant has not been reported in the literature in individuals affected with GLDC-related conditions. This variant is not present in population databases (gnomAD no frequency). This sequence change replaces alanine, which is neutral and non-polar, with glycine, which is neutral and non-polar, at codon 202 of the GLDC protein (p.Ala202Gly).

Literature cited by the submitters: PubMed 21411353; PubMed 25231368.